The following is an entry in ClinVar:

ClinVar aggregate classification (germline): Conflicting classifications of pathogenicity. Review status: criteria provided, conflicting classifications (1 of 4 stars). 3 submissions from 3 submitters: Likely pathogenic (1); Uncertain significance (2). Last evaluated 2026-04-24.

Conditions:
Cone-rod dystrophy 6 (CORD6). Also called: Cone dystrophy progressive; RETINAL CONE DYSTROPHY 2. Identifiers: Orphanet 1872, MedGen C1866293, MONDO:0011143, OMIM 601777.
Leber congenital amaurosis 1 (LCA1). Also called: AMAUROSIS CONGENITA OF LEBER I; Congenital absence of the rods and cones; Leber's congenital tapetoretinal degeneration; Leber's congenital tapetoretinal dysplasia; RETINAL BLINDNESS, CONGENITAL. Identifiers: Orphanet 65, MedGen C2931258, MONDO:0008764, OMIM 204000.
GUCY2D-related disorders.

Submissions (3):

GeneDx
Classification: Uncertain significance. Last evaluated: 2026-04-24. Review status: criteria provided, single submitter. Criteria: GeneDx Variant Classification Process June 2021. Collection method: clinical testing. Allele origin: germline.
Comment: Not observed at significant frequency in large population cohorts (gnomAD); In silico analysis supports that this missense variant has a deleterious effect on protein structure/function; Has not been previously published as pathogenic or benign to our knowledge

Labcorp Genetics (formerly Invitae), Labcorp
Classification: Uncertain significance for Leber congenital amaurosis 1; Cone-rod dystrophy 6. Last evaluated: 2024-06-26. Review status: criteria provided, single submitter. Criteria: Invitae Variant Classification Sherloc (09022015). Collection method: clinical testing. Allele origin: germline.
Comment: This sequence change replaces aspartic acid, which is acidic and polar, with tyrosine, which is neutral and polar, at codon 903 of the GUCY2D protein (p.Asp903Tyr). This variant is not present in population databases (gnomAD no frequency). This variant has not been reported in the literature in individuals affected with GUCY2D-related conditions. ClinVar contains an entry for this variant (Variation ID: 865875). Advanced modeling of protein sequence and biophysical properties (such as structural, functional, and spatial information, amino acid conservation, physicochemical variation, residue mobility, and thermodynamic stability) has been performed at Invitae for this missense variant, however the output from this modeling did not meet the statistical confidence thresholds required to predict the impact of this variant on GUCY2D protein function. In summary, the available evidence is currently insufficient to determine the role of this variant in disease. Therefore, it has been classified as a Variant of Uncertain Significance.

Blueprint Genetics
Classification: Likely pathogenic for GUCY2D-related disorders. Last evaluated: 2021-11-11. Review status: criteria provided, single submitter. Criteria: ACMG Guidelines, 2015. Collection method: clinical testing. Allele origin: germline. Affected: yes. Observed: 5 variant alleles.

NM_000180.4(GUCY2D):c.2707G>T (p.Asp903Tyr)

Gene: GUCY2D (guanylate cyclase 2D, retinal; plus strand). Cytogenetic location: 17p13.1.
Variant type: single nucleotide variant.
Coding change: c.2707G>T on transcript NM_000180.4 (MANE Select); coding-DNA position 2707, G replaced by T.
Protein change: p.Asp903Tyr; replaces aspartic acid 903 with tyrosine.
Molecular consequence: missense variant.
Genome position (GRCh38, 1-based): chr17:8,014,989, G>T. VCF-style: chr17-8014989-G-T. GRCh37 (hg19) VCF-style: chr17-7918307-G-T.
Other names: short protein forms D903Y.
Identifiers: ClinVar variation 865875 (VCV000865875.11), dbSNP rs1975936032, ClinGen allele CA397954146.